The following is an entry in ClinVar:

ClinVar aggregate classification (germline): Uncertain significance. Review status: criteria provided, multiple submitters, no conflicts (2 of 4 stars). 2 submissions from 2 submitters: Uncertain significance (2). Last evaluated 2025-01-16.

Conditions:
Cardiovascular phenotype. Identifiers: MedGen CN230736.
Myofibrillar myopathy 4. Also called: Zaspopathy (type). Identifiers: Orphanet 98912, MedGen C4721886, MONDO:0012277, OMIM 609452.

Allele frequency attached by ClinVar (database versions not stated): gnomAD below 0.00001 and 0.00001; gnomAD exomes 0.00001 and 0.00003; ExAC 0.00006; 1000 Genomes Project 30x 0.00031.
gnomAD v4.1: 16 of 1,613,956 alleles (0.00099%); highest among the groups gnomAD compares: South Asian, 0.018%; no homozygotes.

Submissions (2):

Ambry Genetics
Classification: Uncertain significance for Cardiovascular phenotype. Last evaluated: 2025-01-16. Review status: criteria provided, single submitter. Criteria: Ambry Variant Classification Scheme 2023. Collection method: clinical testing. Allele origin: germline.
Comment: The p.L717R variant (also known as c.2150T>G), located in coding exon 13 of the LDB3 gene, results from a T to G substitution at nucleotide position 2150. The leucine at codon 717 is replaced by arginine, an amino acid with dissimilar properties. This amino acid position is conserved. In addition, this alteration is predicted to be deleterious by in silico analysis. Since supporting evidence is limited at this time, the clinical significance of this alteration remains unclear.

Labcorp Genetics (formerly Invitae), Labcorp
Classification: Uncertain significance for Myofibrillar myopathy 4. Last evaluated: 2019-09-17. Review status: criteria provided, single submitter. Criteria: Invitae Variant Classification Sherloc (09022015). Collection method: clinical testing. Allele origin: germline.
Comment: This sequence change replaces leucine with arginine at codon 717 of the LDB3 protein (p.Leu717Arg). The leucine residue is highly conserved and there is a moderate physicochemical difference between leucine and arginine. The LDB3 gene has multiple clinically relevant transcripts. The p.Leu717Arg variant occurs in alternate transcript NM_007078.2, which corresponds to c.*33568T>G in NM_001080116.1, the primary transcript listed in the Methods. This variant is present in population databases (rs753237785, ExAC 0.05%). This variant has not been reported in the literature in individuals with LDB3-related conditions. Algorithms developed to predict the effect of missense changes on protein structure and function are either unavailable or do not agree on the potential impact of this missense change (SIFT: "Deleterious"; PolyPhen-2: "Probably Damaging"; Align-GVGD: "Class C0"). In summary, the available evidence is currently insufficient to determine the role of this variant in disease. Therefore, it has been classified as a Variant of Uncertain Significance.

NM_007078.3(LDB3):c.2150T>G (p.Leu717Arg)

Gene: LDB3 (LIM domain binding 3; plus strand). Cytogenetic location: 10q23.2.
Variant type: single nucleotide variant.
Coding change: c.2150T>G on transcript NM_007078.3 (MANE Select); coding-DNA position 2150, T replaced by G.
Protein change: p.Leu717Arg; replaces leucine 717 with arginine.
Molecular consequence: missense variant.
Genome position (GRCh38, 1-based): chr10:86,732,942, T>G. VCF-style: chr10-86732942-T-G. GRCh37 (hg19) VCF-style: chr10-88492699-T-G.
Other names: c.1820T>G, p.Leu607Arg (NM_001080114.2); c.2165T>G, p.Leu722Arg (NM_001171610.2); c.1961T>G, p.Leu654Arg (NM_001368064.1, NM_001368065.1); c.2009T>G, p.Leu670Arg (NM_001368066.1); short protein forms L654R, L717R, L722R, L607R, L670R.
Identifiers: ClinVar variation 970930 (VCV000970930.12), dbSNP rs753237785, ClinGen allele CA5585369.